The following is an entry in ClinVar:

NM_001253852.3(AP4B1):c.778C>A (p.Leu260Met)

Genes: AP4B1 (adaptor related protein complex 4 subunit beta 1; minus strand), AP4B1-AS1 (AP4B1 antisense RNA 1; plus strand). Cytogenetic location: 1p13.2.
Variant type: single nucleotide variant.
Coding change: c.778C>A on transcript NM_001253852.3 (MANE Select); coding-DNA position 778, C replaced by A.
Protein change: p.Leu260Met; replaces leucine 260 with methionine.
Molecular consequence: missense variant. On other transcripts: non-coding transcript variant (2).
Genome position (GRCh38, 1-based): chr1:113,900,240, G>T on the plus strand (C>A on the coding strand, the complement: AP4B1 is on the minus strand). VCF-style: chr1-113900240-G-T. GRCh37 (hg19) VCF-style: chr1-114442862-G-T.
Other names: c.481C>A, p.Leu161Met (NM_001253853.3); c.274C>A, p.Leu92Met (NM_001308312.2); c.778C>A, p.Leu260Met (NM_006594.5); short protein forms L92M, L260M, L161M.
Identifiers: ClinVar variation 2204438 (VCV002204438.5), dbSNP rs757019161, ClinGen allele CA1016015.

ClinVar aggregate classification (germline): Uncertain significance. Review status: criteria provided, multiple submitters, no conflicts (2 of 4 stars). 2 submissions from 2 submitters: Uncertain significance (2). Last evaluated 2023-06-15.

Conditions:
Inborn genetic diseases. Identifiers: MedGen C0950123, MeSH D030342.
Hereditary spastic paraplegia 47. Also called: CEREBRAL PALSY, SPASTIC QUADRIPLEGIC, 5; Spastic paraplegia 47, autosomal recessive; adaptor protein 4 (AP-4) deficiency syndrome. Identifiers: Orphanet 280763, MedGen C3279738, MONDO:0013551, OMIM 614066.

Allele frequency attached by ClinVar (database versions not stated): ExAC 0.00002; TOPMed 0.00004; gnomAD 0.00007; gnomAD exomes 0.00009.

Submissions (2):

Labcorp Genetics (formerly Invitae), Labcorp
Classification: Uncertain significance for Hereditary spastic paraplegia 47. Last evaluated: 2023-06-15. Review status: criteria provided, single submitter. Criteria: Invitae Variant Classification Sherloc (09022015). Collection method: clinical testing. Allele origin: germline.
Comment: This variant has not been reported in the literature in individuals affected with AP4B1-related conditions. This variant is present in population databases (rs757019161, gnomAD 0.005%). This sequence change replaces leucine, which is neutral and non-polar, with methionine, which is neutral and non-polar, at codon 260 of the AP4B1 protein (p.Leu260Met). In summary, the available evidence is currently insufficient to determine the role of this variant in disease. Therefore, it has been classified as a Variant of Uncertain Significance. Advanced modeling of protein sequence and biophysical properties (such as structural, functional, and spatial information, amino acid conservation, physicochemical variation, residue mobility, and thermodynamic stability) has been performed at Invitae for this missense variant, however the output from this modeling did not meet the statistical confidence thresholds required to predict the impact of this variant on AP4B1 protein function. ClinVar contains an entry for this variant (Variation ID: 2204438).

Ambry Genetics
Classification: Uncertain significance for Inborn genetic diseases. Last evaluated: 2022-08-12. Review status: criteria provided, single submitter. Criteria: Ambry Variant Classification Scheme 2023. Collection method: clinical testing. Allele origin: germline.